The following is an entry in ClinVar:

ClinVar aggregate classification (germline): Uncertain significance (1 of 4 stars; one submission).

Conditions:
Hereditary cancer-predisposing syndrome. Also called: Neoplastic Syndromes, Hereditary; Tumor predisposition; Hereditary Cancer Syndrome; Hereditary neoplastic syndrome. Identifiers: Orphanet 140162, MedGen C0027672, MeSH D009386, MONDO:0015356.

Submission:

Ambry Genetics
Classification: Uncertain significance for Hereditary cancer-predisposing syndrome. Last evaluated: 2025-12-15. Review status: criteria provided, single submitter. Criteria: Ambry Variant Classification Scheme 2023. Collection method: clinical testing. Allele origin: germline.
Comment: The p.M1632L variant (also known as c.4894A>T), located in coding exon 31 of the ATM gene, results from an A to T substitution at nucleotide position 4894. The methionine at codon 1632 is replaced by leucine, an amino acid with highly similar properties. This amino acid position is conserved. In addition, this alteration is predicted to be tolerated by in silico analysis. Based on the available evidence, the clinical significance of this variant remains unclear.

NM_000051.4(ATM):c.4894A>T (p.Met1632Leu)

Gene: ATM (ATM serine/threonine kinase; plus strand). Cytogenetic location: 11q22.3.
Variant type: single nucleotide variant.
Coding change: c.4894A>T on transcript NM_000051.4 (MANE Select); coding-DNA position 4894, A replaced by T.
Protein change: p.Met1632Leu; replaces methionine 1632 with leucine.
Molecular consequence: missense variant.
Genome position (GRCh38, 1-based): chr11:108,295,044, A>T. VCF-style: chr11-108295044-A-T. GRCh37 (hg19) VCF-style: chr11-108165771-A-T.
Other names: c.4894A>T, p.Met1632Leu (NM_001351834.2); short protein forms M1632L.
Identifiers: ClinVar variation 4843900 (VCV004843900.1).